The following is an entry in ClinVar:

NM_021831.6(AGBL5):c.1108A>C (p.Asn370His)

Gene: AGBL5 (AGBL carboxypeptidase 5; plus strand). Cytogenetic location: 2p23.3.
Variant type: single nucleotide variant.
Coding change: c.1108A>C on transcript NM_021831.6 (MANE Select); coding-DNA position 1108, A replaced by C.
Protein change: p.Asn370His; replaces asparagine 370 with histidine.
Molecular consequence: missense variant. On other transcripts: non-coding transcript variant (2).
Genome position (GRCh38, 1-based): chr2:27,055,881, A>C. VCF-style: chr2-27055881-A-C. GRCh37 (hg19) VCF-style: chr2-27278749-A-C.
Other names: c.1108A>C (NM_021831.5); c.1108A>C, p.Asn370His (NM_001035507.3); short protein forms N370H.
Identifiers: ClinVar variation 1525355 (VCV001525355.6), dbSNP rs757182855, ClinGen allele CA1567792.
Genomic context (GRCh38, chr2:27,055,881, plus strand): 5'-CACCAGCCCAGTTCCTGTCTCCCTCCTGATGCTCCTGTTTCTGACCTGGAGAAAGCCAAC[A>C]ATCTCCAAAATGAAGCTCAGTGTGGGCACTCAGCTGACAGGCATAACGCTGAAGCCTGGA-3'
Protein context (NP_068603.4, residues 360-380): APVSDLEKAN[Asn370His]LQNEAQCGHS

ClinVar aggregate classification (germline): Uncertain significance. Review status: criteria provided, multiple submitters, no conflicts (2 of 4 stars). 3 submissions from 3 submitters: Uncertain significance (3). Last evaluated 2024-01-02.

Conditions:
Inborn genetic diseases. Identifiers: MedGen C0950123, MeSH D030342.

Allele frequency attached by ClinVar (database versions not stated): gnomAD 0.00003 and 0.00004; ExAC 0.00004; TOPMed 0.00006; gnomAD exomes 0.00008.
gnomAD v4.1: 75 of 1,614,090 alleles (0.0046%); highest among the groups gnomAD compares: Admixed American, 0.033%; no homozygotes.

Submissions (3):

Labcorp Genetics (formerly Invitae), Labcorp
Classification: Uncertain significance. Last evaluated: 2024-01-02. Review status: criteria provided, single submitter. Criteria: Invitae Variant Classification Sherloc (09022015). Collection method: clinical testing. Allele origin: germline.
Comment: This sequence change replaces asparagine, which is neutral and polar, with histidine, which is basic and polar, at codon 370 of the AGBL5 protein (p.Asn370His). This variant is present in population databases (rs757182855, gnomAD 0.04%). This variant has not been reported in the literature in individuals affected with AGBL5-related conditions. ClinVar contains an entry for this variant (Variation ID: 1525355). Algorithms developed to predict the effect of missense changes on protein structure and function output the following: SIFT: "Not Available"; PolyPhen-2: "Benign"; Align-GVGD: "Not Available". The histidine amino acid residue is found in multiple mammalian species, which suggests that this missense change does not adversely affect protein function. In summary, the available evidence is currently insufficient to determine the role of this variant in disease. Therefore, it has been classified as a Variant of Uncertain Significance.

Ambry Genetics
Classification: Uncertain significance for Inborn genetic diseases. Last evaluated: 2023-04-26. Review status: criteria provided, single submitter. Criteria: Ambry Variant Classification Scheme 2023. Collection method: clinical testing. Allele origin: germline.

Blueprint Genetics
Classification: Uncertain significance. Last evaluated: 2023-03-22. Review status: criteria provided, single submitter. Criteria: ACMG Guidelines, 2015. Collection method: clinical testing. Allele origin: germline.